The following is an entry in ClinVar:

NM_001256789.3(CACNA1F):c.3907C>T (p.Arg1303Cys)

Gene: CACNA1F (calcium voltage-gated channel subunit alpha1 F; minus strand). Cytogenetic location: Xp11.23.
Variant type: single nucleotide variant.
Coding change: c.3907C>T on transcript NM_001256789.3 (MANE Select); coding-DNA position 3907, C replaced by T.
Protein change: p.Arg1303Cys; replaces arginine 1303 with cysteine.
Molecular consequence: missense variant.
Genome position (GRCh38, 1-based): chrX:49,212,702, G>A on the plus strand (C>T on the coding strand, the complement: CACNA1F is on the minus strand). VCF-style: chrX-49212702-G-A. GRCh37 (hg19) VCF-style: chrX-49069162-G-A.
Other names: c.3745C>T, p.Arg1249Cys (NM_001256790.3); c.3940C>T, p.Arg1314Cys (NM_005183.4); c.3940C>T (NM_005183.3); short protein forms R1249C, R1303C, R1314C.
Identifiers: ClinVar variation 3248894 (VCV003248894.3).

ClinVar aggregate classification (germline): Uncertain significance. Review status: criteria provided, multiple submitters, no conflicts (2 of 4 stars). 3 submissions from 3 submitters: Uncertain significance (2). 1 of the submissions does not count toward it. Last evaluated 2025-03-27.

Conditions:
CACNA1F-related disorder. Also called: CACNA1F-related condition.
Retinal dystrophy. Also called: Inherited retinal dystrophy. Identifiers: Orphanet 71862, MedGen C0854723, MeSH D058499, MONDO:0019118, HP:0000556.

gnomAD v4.1: 25 of 1,206,968 alleles (0.0021%); highest among the groups gnomAD compares: Middle Eastern, 0.046%; no homozygotes.

Submissions (3):

PreventionGenetics, part of Exact Sciences
Classification: Uncertain significance for CACNA1F-related condition. Last evaluated: 2025-03-27. Review status: criteria provided, single submitter. Criteria: ACMG Guidelines, 2015. Collection method: clinical testing. Allele origin: germline.
Comment: The CACNA1F c.3940C>T variant is predicted to result in the amino acid substitution p.Arg1314Cys. This variant was previously reported in an individual who presented with cone-rod dystrophy; however, the individual also carried a different likely pathogenic variant in CACNA1F (Du et al. 2022. PubMed ID: 36165086). This variant is reported in 0.0078% of alleles in individuals of African descent in gnomAD. At this time, the clinical significance of this variant is uncertain due to the absence of conclusive functional and genetic evidence.

Blueprint Genetics
Classification: Uncertain significance. Last evaluated: 2018-07-14. Review status: criteria provided, single submitter. Criteria: ACMG Guidelines, 2015. Collection method: clinical testing. Allele origin: germline.

Institute of Human Genetics, Univ. Regensburg, Univ. Regensburg
Classification: Uncertain significance for Retinal dystrophy. Last evaluated: 2020-01-01. Review status: no assertion criteria provided. Criteria: ACMG Guidelines, 2015. Collection method: clinical testing. Allele origin: germline. Affected: yes. Not counted in ClinVar's aggregate classification.